The following is an entry in ClinVar:

ClinVar aggregate classification (germline): Conflicting classifications of pathogenicity. Review status: criteria provided, conflicting classifications (1 of 4 stars). 18 submissions from 16 submitters: Uncertain significance (6); Benign (1); Likely benign (6). 5 of the submissions do not count toward it. Last evaluated 2026-08-01.

Conditions:
GJB2-related disorder. Also called: GJB2-related condition; GJB2-related disorders. Identifiers: MedGen CN382183, MONDO:1060236.
Nonsyndromic Deafness. Also called: Non-syndromic hearing loss; Nonsyndromic hearing loss. Identifiers: MedGen C3711374, MeSH C580334.
Autosomal recessive nonsyndromic hearing loss 1A (DFNB1A). Also called: Connexin 26 deafness; Deafness nonsyndromic, Connexin 26 linked; GJB6-Related DFNB 1 Nonsyndromic Hearing Loss and Deafness; Deafness, autosomal recessive 1A; GJB2-Related Autosomal Recessive Nonsyndromic Hearing Loss; Nonsyndromic Hearing Loss and Deafness, DFNB1. Identifiers: Orphanet 90636, MedGen C2673759, MONDO:0009076, OMIM 220290.
Autosomal dominant nonsyndromic hearing loss 3A. Identifiers: Orphanet 90635, MedGen C2675750, MONDO:0011103, OMIM 601544.
Ichthyosis, hystrix-like, with hearing loss. Also called: Hystrix-like ichthyosis with deafness. Identifiers: Orphanet 477, MedGen C1865234, MONDO:0011245.

Allele frequency attached by ClinVar (database versions not stated): TOPMed 0.00050; gnomAD 0.00044 and 0.00048; ESP Exome Variant Server 0.00031; ExAC 0.00038; gnomAD exomes 0.00049 and 0.00075; 1000 Genomes Project 0.00100; 1000 Genomes Project 30x 0.00109.
gnomAD v4.1: 1,151 of 1,596,954 alleles (0.072%); highest among the groups gnomAD compares: Non-Finnish European, 0.092%; no homozygotes.

Submissions (18):

CeGaT Center for Human Genetics Tuebingen
Classification: Likely benign. Last evaluated: 2026-08-01. Review status: criteria provided, single submitter. Criteria: CeGaT Center For Human Genetics Tuebingen Variant Classification Criteria Version 2. Collection method: clinical testing. Allele origin: germline. Affected: yes. Observed: 1 variant allele.
Comment: GJB2: BS1

GeneDx
Classification: Uncertain significance. Last evaluated: 2025-10-11. Review status: criteria provided, single submitter. Criteria: GeneDx Variant Classification Process June 2021. Collection method: clinical testing. Allele origin: germline. Affected: yes.
Comment: In silico analysis supports a deleterious effect on splicing; Located in a regulatory region; in the absence of functional studies, the actual effect of this sequence change is unknown; This variant is associated with the following publications: (PMID: 25401782, 34062854)

Revvity Omics, Revvity
Classification: Uncertain significance. Last evaluated: 2025-01-17. Review status: criteria provided, single submitter. Criteria: ACMG Guidelines, 2015. Collection method: clinical testing. Allele origin: germline.

Women's Health and Genetics/Laboratory Corporation of America, LabCorp
Classification: Likely benign. Last evaluated: 2024-11-05. Review status: criteria provided, single submitter. Criteria: LabCorp Variant Classification Summary - May 2015. Collection method: clinical testing. Allele origin: germline.
Comment: Variant summary: GJB2 c.-22-6T>C alters a non-conserved nucleotide located close to a splice site in the 5' UTR region and therefore could affect mRNA splicing, leading to a significantly altered protein sequence. Consensus agreement among computation tools predict no significant impact on normal splicing. However, these predictions have yet to be confirmed by functional studies. The variant allele was found at a frequency of 0.00049 in 249434 control chromosomes, predominantly at a frequency of 0.00094 within the Non-Finnish European subpopulation in the gnomAD database. This frequency is not significantly higher than estimated for a pathogenic variant in GJB2 causing Autosomal Recessive Non-Syndromic Hearing Loss (0.00049 vs 0.025), allowing no conclusion about variant significance. c.-22-6T>C has been reported in the literature in individuals affected with Autosomal Recessive Non-Syndromic Hearing Loss (e.g. Tang_2006, Stanghellini_2014, Figueroa-Ildefonso_2019, Safka Brozkova_2021), however in most of these cases a second GJB2 mutation in trans was not detected. These data do not allow any conclusion about variant significance. To our knowledge, no experimental evidence demonstrating an impact on protein function has been reported. The following publications have been ascertained in the context of this evaluation (PMID: 17041943, 25401782, 31370293, 34062854). ClinVar contains an entry for this variant (Variation ID: 228700). Based on the evidence outlined above, the variant was classified as likely benign.

Blueprint Genetics
Classification: Likely benign. Last evaluated: 2024-10-21. Review status: criteria provided, single submitter. Criteria: ACMG Guidelines, 2015. Collection method: clinical testing. Allele origin: germline.

Labcorp Genetics (formerly Invitae), Labcorp
Classification: Likely benign. Last evaluated: 2023-09-08. Review status: criteria provided, single submitter. Criteria: Invitae Variant Classification Sherloc (09022015). Collection method: clinical testing. Allele origin: germline.

ARUP Laboratories, Molecular Genetics and Genomics, ARUP Laboratories
Classification: Likely benign. Last evaluated: 2022-12-29. Review status: criteria provided, single submitter. Criteria: ARUP Molecular Germline Variant Investigation Process 2024. Collection method: clinical testing. Allele origin: germline.

Neurogenetic Laboratory, Second Faculty of Medicine, Charles University
Classification: Uncertain significance for Autosomal recessive nonsyndromic hearing loss 1A. Last evaluated: 2021-03-30. Review status: criteria provided, single submitter. Criteria: ClinGen HL ACMG Specifications v1. Collection method: clinical testing. Allele origin: germline. Affected: yes.

Athena Diagnostics
Classification: Uncertain significance. Last evaluated: 2020-09-14. Review status: criteria provided, single submitter. Criteria: Athena Diagnostics criteria. Collection method: clinical testing. Allele origin: unknown.

Laboratory for Molecular Medicine, Mass General Brigham Personalized Medicine
Classification: Likely benign. Last evaluated: 2020-02-11. Review status: criteria provided, single submitter. Criteria: LMM Criteria. Collection method: clinical testing. Allele origin: germline. Observed: 5 variant alleles.
Comment: The c.-22-6T>C variant in GJB2 is classified as likely benign because it has been identified in 0.09% (114/126646) of European chromosomes by gnomAD, a T>C change at this nucleotide position does not diverge from the splice consensus sequence making it unlikely to impact splicing, and computational splice prediction tools do not predict an impact on splicing. While it has been previously reported in 6 individuals with hearing loss, these individuals were heterozygous and a second GJB2 or DFNB1 pathogenic variant was not identified (Tang 2006, Stanghellini 2014, Figueroa-Ildefonso 2019, LMM Data). This variant has also been reported in ClinVar (Variation ID 228700). In summary, this variant meets criteria to be classified as likely benign. ACMG/AMP Criteria applied: BS1_Supporting, BP4, BP7.

Illumina Laboratory Services, Illumina
Classification: Benign for Autosomal dominant keratitis-ichthyosis-hearing loss syndrome. Last evaluated: 2017-04-28. Review status: criteria provided, single submitter. Criteria: ICSL Variant Classification Criteria 13 December 2019. Collection method: clinical testing. Allele origin: germline.
Comment: This variant was observed as part of a predisposition screen in an ostensibly healthy population. A literature search was performed for the gene, cDNA change, and amino acid change (where applicable). No publications were found based on this search. Allele frequency data from public databases was too high to be consistent with this variant causing disease. Therefore, this variant is classified as benign.

Illumina Laboratory Services, Illumina
Classification: Uncertain significance for Autosomal dominant nonsyndromic hearing loss 3A. Last evaluated: 2017-04-28. Review status: criteria provided, single submitter. Criteria: ICSL Variant Classification Criteria 13 December 2019. Collection method: clinical testing. Allele origin: germline.
Comment: This variant was observed as part of a predisposition screen in an ostensibly healthy population. A literature search was performed for the gene, cDNA change, and amino acid change (where applicable). Publications were found based on this search. However, the evidence from the literature, in combination with allele frequency data from public databases where available, was not sufficient to rule this variant in or out of causing disease. Therefore, this variant is classified as a variant of unknown significance.

Illumina Laboratory Services, Illumina
Classification: Uncertain significance for Autosomal recessive nonsyndromic hearing loss 1A. Last evaluated: 2017-04-28. Review status: criteria provided, single submitter. Criteria: ICSL Variant Classification Criteria 13 December 2019. Collection method: clinical testing. Allele origin: germline.
Comment: the same text as in the submission from Illumina Laboratory Services, Illumina above.

Molecular Genetics Laboratory, BC Children's and BC Women's Hospitals
Classification: Uncertain significance for Nonsyndromic Deafness. Last evaluated: 2024-12-20. Review status: no assertion criteria provided. Criteria: ACMG Guidelines, 2015. Collection method: clinical testing. Allele origin: germline. Affected: yes. Not counted in ClinVar's aggregate classification.

PreventionGenetics, part of Exact Sciences
Classification: Likely benign for GJB2-related condition. Last evaluated: 2020-04-27. Review status: no assertion criteria provided. Collection method: clinical testing. Allele origin: germline. Not counted in ClinVar's aggregate classification.
Comment: This variant is classified as likely benign based on ACMG/AMP sequence variant interpretation guidelines (Richards et al. 2015 PMID: 25741868, with internal and published modifications).

Clinical Genetics DNA and cytogenetics Diagnostics Lab, Erasmus MC, Erasmus Medical Center
Classification: Likely benign. Review status: no assertion criteria provided. Collection method: clinical testing. Allele origin: germline. Affected: yes. Study: VKGL Data-share Consensus. Not counted in ClinVar's aggregate classification.

Genome Diagnostics Laboratory, Amsterdam University Medical Center
Classification: Likely benign. Review status: no assertion criteria provided. Collection method: clinical testing. Allele origin: germline. Affected: yes. Study: VKGL Data-share Consensus. Not counted in ClinVar's aggregate classification.

Joint Genome Diagnostic Labs from Nijmegen and Maastricht, Radboudumc and MUMC+
Classification: Likely benign. Review status: no assertion criteria provided. Collection method: clinical testing. Allele origin: germline. Affected: yes. Study: VKGL Data-share Consensus. Not counted in ClinVar's aggregate classification.

Literature cited by the submitters: PubMed 17041943 (cited by 3 submitters); PubMed 25401782 (cited by 4 submitters); PubMed 31370293 (cited by 3 submitters); PubMed 34062854 (cited by Women's Health and Genetics/Laboratory Corporation of America, LabCorp).

NM_004004.6(GJB2):c.-22-6T>C

Gene: GJB2 (gap junction protein beta 2; minus strand). Cytogenetic location: 13q12.11.
Variant type: single nucleotide variant.
Coding change: c.-22-6T>C on transcript NM_004004.6 (MANE Select); 6 bases into the intron before 22 bases upstream of the start codon, T replaced by C.
Molecular consequence: intron variant.
Genome position (GRCh38, 1-based): chr13:20,189,609, A>G on the plus strand (T>C on the coding strand, the complement: GJB2 is on the minus strand). VCF-style: chr13-20189609-A-G. GRCh37 (hg19) VCF-style: chr13-20763748-A-G.
Identifiers: ClinVar variation 228700 (VCV000228700.50), dbSNP rs141962118, ClinGen allele CA6904347.